The following is an entry in ClinVar:

NM_005202.4(COL8A2):c.1557_1565del (p.520PPG[3])

Gene: COL8A2 (collagen type VIII alpha 2 chain; minus strand). Cytogenetic location: 1p34.3.
Variant type: Deletion.
Coding change: c.1557_1565del on transcript NM_005202.4 (MANE Select); coding-DNA positions 1557 to 1565, 9 bases deleted (CCCTCCGGG; older notation c.1557_1565delCCCTCCGGG).
Protein change: p.520PPG[3].
Molecular consequence: inframe deletion.
Genome position (GRCh38, 1-based): chr1:36,098,116-36,098,124, CCCGGAGGG deleted on the plus strand (CCCTCCGGG on the coding strand, the reverse complement: COL8A2 is on the minus strand); deleting any 9 consecutive bases within chr1:36,098,116-36,098,128 gives the same sequence; the c. name uses the placement nearest the transcript's 3' end. VCF-style (leftmost placement, unchanged base first): chr1-36098115-CCCCGGAGGG-C. GRCh37 (hg19) VCF-style: chr1-36563716-CCCCGGAGGG-C.
Other names: c.1362_1370del, p.455PPG[3] (NM_001294347.2).
Identifiers: ClinVar variation 2082483 (VCV002082483.4), dbSNP rs746919067, ClinGen allele CA764932.
Genomic context (GRCh38, chr1:36,098,115, plus strand): 5'-TGCGATGCCAGTCTCATCGAAGGCCCCAGGGGCACCAGGGGGTCCCGGGGGCCCGGGAGG[CCCCGGAGGG>C]CCCGTGATTCCAGGGGAGCCAGGGACCCCTGGGGGCCCCGTGGGCCCAGCCGTGCCAGGT-3'

ClinVar aggregate classification (germline): Uncertain significance (1 of 4 stars; one submission).

Submission:

Labcorp Genetics (formerly Invitae), Labcorp
Classification: Uncertain significance. Last evaluated: 2022-11-22. Review status: criteria provided, single submitter. Criteria: Invitae Variant Classification Sherloc (09022015). Collection method: clinical testing. Allele origin: germline.
Comment: In summary, the available evidence is currently insufficient to determine the role of this variant in disease. Therefore, it has been classified as a Variant of Uncertain Significance. Experimental studies and prediction algorithms are not available or were not evaluated, and the functional significance of this variant is currently unknown. This variant has not been reported in the literature in individuals affected with COL8A2-related conditions. This variant is present in population databases (rs746919067, gnomAD 0.02%). This variant, c.1557_1565del, results in the deletion of 3 amino acid(s) of the COL8A2 protein (p.Pro529_Gly531del), but otherwise preserves the integrity of the reading frame.